The following is an entry in ClinVar:

NM_005228.5(EGFR):c.240G>C (p.Lys80Asn)

Gene: EGFR (epidermal growth factor receptor; plus strand). Cytogenetic location: 7p11.2.
Variant type: single nucleotide variant.
Coding change: c.240G>C on transcript NM_005228.5 (MANE Select); coding-DNA position 240, G replaced by C.
Protein change: p.Lys80Asn; replaces lysine 80 with asparagine.
Molecular consequence: missense variant. On other transcripts: intron variant (1).
Genome position (GRCh38, 1-based): chr7:55,142,437, G>C. VCF-style: chr7-55142437-G-C. GRCh37 (hg19) VCF-style: chr7-55210130-G-C.
Other names: c.240G>C, p.Lys80Asn (NM_001346897.2, NM_001346898.2, NM_001346899.2 and 3 more transcripts); c.81G>C, p.Lys27Asn (NM_001346900.2); c.89-13393G>C (NM_001346941.2); short protein forms K80N, K27N.
Identifiers: ClinVar variation 2752626 (VCV002752626.4), dbSNP rs2128926458, ClinGen allele CA367575087.

ClinVar aggregate classification (germline): Uncertain significance. Review status: criteria provided, multiple submitters, no conflicts (2 of 4 stars). 2 submissions from 2 submitters: Uncertain significance (2). Last evaluated 2025-09-24.

Conditions:
Hereditary cancer-predisposing syndrome. Also called: Neoplastic Syndromes, Hereditary; Hereditary Cancer Syndrome; Tumor predisposition; Hereditary neoplastic syndrome. Identifiers: Orphanet 140162, MedGen C0027672, MeSH D009386, MONDO:0015356.
EGFR-related lung cancer (EGFR). Identifiers: MedGen CN130014.

Submissions (2):

Ambry Genetics
Classification: Uncertain significance for Hereditary cancer-predisposing syndrome. Last evaluated: 2025-09-24. Review status: criteria provided, single submitter. Criteria: Ambry Variant Classification Scheme 2023. Collection method: clinical testing. Allele origin: germline.
Comment: The p.K80N variant (also known as c.240G>C), located in coding exon 2 of the EGFR gene, results from a G to C substitution at nucleotide position 240. The amino acid change results in lysine to asparagine at codon 80, an amino acid with similar properties. However, this change occurs in the last base pair of coding exon 2, which makes it likely to have some effect on normal mRNA splicing. This nucleotide position is well conserved in available vertebrate species. In silico splice site analysis predicts that this alteration may weaken the native splice donor site. This amino acid position is well conserved in available vertebrate species. In addition, as a missense substitution the in silico prediction for this alteration is inconclusive. Based on the available evidence, the clinical significance of this variant remains unclear.

Labcorp Genetics (formerly Invitae), Labcorp
Classification: Uncertain significance for EGFR-related lung cancer. Last evaluated: 2025-07-07. Review status: criteria provided, single submitter. Criteria: Invitae Variant Classification Sherloc (09022015). Collection method: clinical testing. Allele origin: germline.
Comment: This sequence change replaces lysine, which is basic and polar, with asparagine, which is neutral and polar, at codon 80 of the EGFR protein (p.Lys80Asn). This variant also falls at the last nucleotide of exon 2, which is part of the consensus splice site for this exon. This variant is not present in population databases (gnomAD no frequency). This variant has not been reported in the literature in individuals affected with EGFR-related conditions. ClinVar contains an entry for this variant (Variation ID: 2752626). An algorithm developed to predict the effect of missense changes on protein structure and function (PolyPhen-2) suggests that this variant is likely to be disruptive. Variants that disrupt the consensus splice site are a relatively common cause of aberrant splicing (PMID: 17576681, 9536098). Algorithms developed to predict the effect of sequence changes on RNA splicing suggest that this variant may disrupt the consensus splice site. In summary, the available evidence is currently insufficient to determine the role of this variant in disease. Therefore, it has been classified as a Variant of Uncertain Significance.

Literature cited by the submitters: PubMed 17576681 (cited by Labcorp Genetics (formerly Invitae), Labcorp); PubMed 9536098 (cited by Labcorp Genetics (formerly Invitae), Labcorp).